The following is an entry in ClinVar:

NM_005732.4(RAD50):c.1831A>G (p.Ile611Val)

Gene: RAD50 (RAD50 double strand break repair protein; plus strand). Cytogenetic location: 5q31.1.
Variant type: single nucleotide variant.
Coding change: c.1831A>G on transcript NM_005732.4 (MANE Select); coding-DNA position 1831, A replaced by G.
Protein change: p.Ile611Val; replaces isoleucine 611 with valine.
Molecular consequence: missense variant.
Genome position (GRCh38, 1-based): chr5:132,594,906, A>G. VCF-style: chr5-132594906-A-G. GRCh37 (hg19) VCF-style: chr5-131930598-A-G.
Other names: short protein forms I611V.
Identifiers: ClinVar variation 219689 (VCV000219689.17), dbSNP rs138315079, ClinGen allele CA348123.
Genomic context (GRCh38, chr5:132,594,906, plus strand): 5'-ATCCATATTTGCTCTTATTTTAGCAAGGAACTAGCTTCATCTGAGCAGAATAAAAATCAT[A>G]TAAATAATGAACTAAAAAGAAAGGAAGAGCAGTTGTCCAGTTACGAAGACAAGCTGTTTG-3'
Protein context (NP_005723.2, residues 601-621): LASSEQNKNH[Ile611Val]NNELKRKEEQ

ClinVar aggregate classification (germline): Conflicting classifications of pathogenicity. Review status: criteria provided, conflicting classifications (1 of 4 stars). 4 submissions from 4 submitters: Uncertain significance (3); Likely benign (1). Last evaluated 2025-07-14.

Conditions:
Hereditary cancer-predisposing syndrome. Also called: Hereditary neoplastic syndrome; Tumor predisposition; Hereditary Cancer Syndrome; Neoplastic Syndromes, Hereditary. Identifiers: Orphanet 140162, MedGen C0027672, MeSH D009386, MONDO:0015356.
Hereditary breast ovarian cancer syndrome. Also called: BRCA1- and BRCA2-Associated Hereditary Breast and Ovarian Cancer; Hereditary breast and ovarian cancer syndrome (HBOC); Hereditary breast and/or ovarian cancer syndrome; Hereditary breast and ovarian cancer syndrome; Hereditary breast and ovarian cancer; Breast and ovarian cancer. Identifiers: Orphanet 145, MedGen C0677776, MeSH D061325, MONDO:0003582. Disease mechanism: loss of function.

Allele frequency attached by ClinVar (database versions not stated): gnomAD exomes below 0.00001; TOPMed below 0.00001; ExAC 0.00001; gnomAD 0.00001; 1000 Genomes Project 30x 0.00016; 1000 Genomes Project 0.00020.
gnomAD v4.1: 6 of 1,606,520 alleles (0.00037%); highest among the groups gnomAD compares: East Asian, 0.013%; no homozygotes.

Submissions (4):

Labcorp Genetics (formerly Invitae), Labcorp
Classification: Uncertain significance for Hereditary cancer-predisposing syndrome. Last evaluated: 2025-07-14. Review status: criteria provided, single submitter. Criteria: Invitae Variant Classification Sherloc (09022015). Collection method: clinical testing. Allele origin: germline.
Comment: This sequence change replaces isoleucine, which is neutral and non-polar, with valine, which is neutral and non-polar, at codon 611 of the RAD50 protein (p.Ile611Val). This variant is present in population databases (rs138315079, gnomAD 0.006%). This variant has not been reported in the literature in individuals affected with RAD50-related conditions. ClinVar contains an entry for this variant (Variation ID: 219689). Invitae Evidence Modeling of protein sequence and biophysical properties (such as structural, functional, and spatial information, amino acid conservation, physicochemical variation, residue mobility, and thermodynamic stability) indicates that this missense variant is not expected to disrupt RAD50 protein function with a negative predictive value of 80%. In summary, the available evidence is currently insufficient to determine the role of this variant in disease. Therefore, it has been classified as a Variant of Uncertain Significance.

Ambry Genetics
Classification: Likely benign for Hereditary cancer-predisposing syndrome. Last evaluated: 2024-03-28. Review status: criteria provided, single submitter. Criteria: Ambry Variant Classification Scheme 2023. Collection method: clinical testing. Allele origin: germline.

Quest Diagnostics Nichols Institute San Juan Capistrano
Classification: Uncertain significance. Last evaluated: 2024-01-17. Review status: criteria provided, single submitter. Criteria: Quest Diagnostics criteria. Collection method: clinical testing. Allele origin: unknown.
Comment: The RAD50 c.1831A>G (p.Ile611Val) variant has been reported in the published literature in a reportedly healthy individual in a large scale breast cancer association study (PMID: 33471991 (2021), see also LOVD). This variant has not been reported in large, multi-ethnic general populations (Genome Aggregation Database). Analysis of this variant using bioinformatics tools for the prediction of the effect of amino acid changes on protein structure and function yielded predictions that this variant is benign. Based on the available information, we are unable to determine the clinical significance of this variant.

Cancer Genomics Group, Japanese Foundation For Cancer Research
Classification: Uncertain significance for Hereditary breast and ovarian cancer syndrome. Last evaluated: 2019-05-01. Review status: criteria provided, single submitter. Criteria: ACMG Guidelines, 2015. Collection method: research. Allele origin: germline. Affected: yes.

Literature cited by the submitters: PubMed 33471991 (cited by Quest Diagnostics Nichols Institute San Juan Capistrano).